The following is an entry in ClinVar:

NM_002294.3(LAMP2):c.*2797G>A

Gene: LAMP2 (lysosome associated membrane protein 2; minus strand). Cytogenetic location: Xq24.
Variant type: single nucleotide variant.
Coding change: c.*2797G>A on transcript NM_002294.3 (MANE Select); 2797 bases downstream of the stop codon, G replaced by A.
Molecular consequence: 3 prime UTR variant. On other transcripts: missense variant (1).
Genome position (GRCh38, 1-based): chrX:120,428,526, C>T on the plus strand (G>A on the coding strand, the complement: LAMP2 is on the minus strand). VCF-style: chrX-120428526-C-T. GRCh37 (hg19) VCF-style: chrX-119562381-C-T.
Other names: c.1194G>A, p.Met398Ile (NM_001122606.1); short protein forms M398I.
Identifiers: ClinVar variation 4984981 (VCV004984981.1).

ClinVar aggregate classification (germline): Uncertain significance (1 of 4 stars; one submission).

Conditions:
LAMP2-related disorder. Also called: LAMP2-related condition.

gnomAD v4.1: 1 of 1,198,778 alleles (0.000083%); highest among the groups gnomAD compares: African/African-American, 0.0018%; no homozygotes.

Submission:

PreventionGenetics, part of Exact Sciences
Classification: Uncertain significance for LAMP2-related condition. Last evaluated: 2025-05-15. Review status: criteria provided, single submitter. Criteria: ACMG Guidelines, 2015. Collection method: clinical testing. Allele origin: germline.
Comment: The LAMP2 c.1194G>A variant is predicted to result in the amino acid substitution p.Met398Ile. To our knowledge, this variant has not been reported in the literature. This variant is absent in a large population database (gnomAD), indicating this variant is rare. At this time, the clinical significance of this variant is uncertain due to the absence of conclusive functional and genetic evidence.